The following is an entry in ClinVar:

NM_001347721.2(DYRK1A):c.391T>C (p.Tyr131His)

Gene: DYRK1A (dual specificity tyrosine phosphorylation regulated kinase 1A; plus strand). Cytogenetic location: 21q22.13.
Variant type: single nucleotide variant.
Coding change: c.391T>C on transcript NM_001347721.2 (MANE Select); coding-DNA position 391, T replaced by C.
Protein change: p.Tyr131His; replaces tyrosine 131 with histidine.
Molecular consequence: missense variant.
Genome position (GRCh38, 1-based): chr21:37,480,728, T>C. VCF-style: chr21-37480728-T-C. GRCh37 (hg19) VCF-style: chr21-38853030-T-C.
Other names: c.391T>C, p.Tyr131His (NM_001347722.2, NM_130436.2); c.304T>C, p.Tyr102His (NM_001347723.2); c.418T>C, p.Tyr140His (NM_001396.5, NM_101395.2, NM_130438.2); short protein forms Y102H, Y131H, Y140H.
Identifiers: ClinVar variation 3368316 (VCV003368316.1).

ClinVar aggregate classification (germline): Uncertain significance (1 of 4 stars; one submission).

Submission:

GeneDx
Classification: Uncertain significance. Last evaluated: 2024-02-05. Review status: criteria provided, single submitter. Criteria: GeneDx Variant Classification Process June 2021. Collection method: clinical testing. Allele origin: germline. Affected: yes.
Comment: Not observed at significant frequency in large population cohorts (gnomAD); In silico analysis supports that this missense variant has a deleterious effect on protein structure/function; Has not been previously published as pathogenic or benign to our knowledge